The following is an entry in ClinVar:

NM_003742.4(ABCB11):c.1931T>C (p.Leu644Pro)

Gene: ABCB11 (ATP binding cassette subfamily B member 11; minus strand). Cytogenetic location: 2q31.1.
Variant type: single nucleotide variant.
Coding change: c.1931T>C on transcript NM_003742.4 (MANE Select); coding-DNA position 1931, T replaced by C.
Protein change: p.Leu644Pro; replaces leucine 644 with proline.
Molecular consequence: missense variant.
Genome position (GRCh38, 1-based): chr2:168,969,430, A>G on the plus strand (T>C on the coding strand, the complement: ABCB11 is on the minus strand). VCF-style: chr2-168969430-A-G. GRCh37 (hg19) VCF-style: chr2-169825940-A-G.
Other names: short protein forms L644P.
Identifiers: ClinVar variation 3893576 (VCV003893576.3).

ClinVar aggregate classification (germline): Uncertain significance. Review status: criteria provided, multiple submitters, no conflicts (2 of 4 stars). 3 submissions from 3 submitters: Uncertain significance (3). Last evaluated 2025-08-20.

Conditions:
ABCB11-related disorder. Also called: ABCB11-related condition.
Inborn genetic diseases. Identifiers: MedGen C0950123, MeSH D030342.

Submissions (3):

Ambry Genetics
Classification: Uncertain significance for Inborn genetic diseases. Last evaluated: 2025-08-20. Review status: criteria provided, single submitter. Criteria: Ambry Variant Classification Scheme 2023. Collection method: clinical testing. Allele origin: germline.

GeneDx
Classification: Uncertain significance. Last evaluated: 2024-10-23. Review status: criteria provided, single submitter. Criteria: GeneDx Variant Classification Process June 2021. Collection method: clinical testing. Allele origin: germline. Affected: yes.
Comment: Not observed at significant frequency in large population cohorts (gnomAD); In silico analysis supports that this missense variant has a deleterious effect on protein structure/function; Has not been previously published as pathogenic or benign to our knowledge

PreventionGenetics, part of Exact Sciences
Classification: Uncertain significance for ABCB11-related condition. Last evaluated: 2024-10-14. Review status: criteria provided, single submitter. Criteria: ACMG Guidelines, 2015. Collection method: clinical testing. Allele origin: germline.
Comment: The ABCB11 c.1931T>C variant is predicted to result in the amino acid substitution p.Leu644Pro. To our knowledge, this variant has not been reported in the literature. This variant is reported in 0.0065% of alleles in individuals of African descent in gnomAD. At this time, the clinical significance of this variant is uncertain due to the absence of conclusive functional and genetic evidence.